The following is an entry in ClinVar:

ClinVar aggregate classification (germline): Pathogenic/Likely pathogenic. Review status: criteria provided, multiple submitters, no conflicts (2 of 4 stars). 25 submissions from 24 submitters: Pathogenic (19); Likely pathogenic (3). 3 of the submissions do not count toward it. Last evaluated 2026-03-05.

Conditions:
ABCG5-related disorder. Also called: ABCG5-related condition.
Sitosterolemia 1. Identifiers: MedGen C2749759, MONDO:0020747, OMIM 210250.
Sitosterolemia 2. Identifiers: MedGen C5231453, MONDO:0020748, OMIM 618666.
Cardiovascular phenotype. Identifiers: MedGen CN230736.
Short-rib thoracic dysplasia 15 with polydactyly (SRTD15). Identifiers: MedGen C4310724, MONDO:0014907, OMIM 617088.
Sitosterolemia (STSL). Also called: PHYTOSTEROLEMIA. Identifiers: Orphanet 2882, MedGen C0342907, MONDO:0008863.

Allele frequency attached by ClinVar (database versions not stated): gnomAD 0.00011; 1000 Genomes Project 30x 0.00016; TOPMed 0.00019; ESP Exome Variant Server 0.00008.
gnomAD v4.1: 178 of 1,613,826 alleles (0.011%); highest among the groups gnomAD compares: Middle Eastern, 0.13%; 1 homozygote.

Submissions 1 to 15 of 25:

Department of Cardiology, Mackay Memorial Hospital
Classification: Pathogenic for Sitosterolemia. Last evaluated: 2026-03-05. Review status: criteria provided, single submitter. Criteria: ACMG Guidelines, 2015. Collection method: clinical testing. Allele origin: germline. Affected: yes.
Comment: The ABCG5 c.1336C>T (p.Arg446Ter; rs199689137; Accession: VCV000030485.72) variant is a nonsense alteration in exon 10 that introduces a premature termination codon at residue 446. This change is expected to cause loss of ABCG5 function through premature protein truncation and/or nonsense-mediated mRNA decay, consistent with the established loss-of-function mechanism of autosomal recessive sitosterolemia. The variant is rare in population databases, although it is relatively more frequent in East Asian populations, with reported allele frequencies of approximately 0.08%–0.09%. It has been identified repeatedly in patients with sitosterolemia in both homozygous and compound heterozygous states and has shown cosegregation with disease in multiple affected families. The variant is also listed in ClinVar (Variation ID: 30485). Taken together, the predicted loss-of-function consequence, multiple independent observations in affected individuals, and supportive segregation data provide strong evidence for classification of c.1336C>T (p.Arg446Ter) as pathogenic.

PreventionGenetics, part of Exact Sciences
Classification: Pathogenic for ABCG5-related condition. Last evaluated: 2026-02-27. Review status: criteria provided, single submitter. Criteria: ACMG Guidelines, 2015. Collection method: clinical testing. Allele origin: germline.
Comment: The ABCG5 c.1336C>T variant is predicted to result in premature protein termination (p.Arg446*). This variant has been reported in the homozygous and compound heterozygous state in individuals with sitosterolemia (see for example Kratz et al. 2007. PubMed ID: 17228349; Togo et al. 2008. PubMed ID: 19111681; Niu et al. 2010. PubMed ID: 20521169; Rios et al. 2010. PubMed ID: 20719861; Wang et al. 2014. PubMed ID: 24166850; Tada et al. 2015. PubMed ID: 25665839; Li et al. 2016. PubMed ID: 26813946; Buonuomo et al. 2017. PubMed ID: 28521186). This variant is reported in 0.085% of alleles in individuals of East Asian descent in gnomAD. Nonsense variants in ABCG5 are expected to be pathogenic. This variant is interpreted as pathogenic.

Labcorp Genetics (formerly Invitae), Labcorp
Classification: Pathogenic for Sitosterolemia. Last evaluated: 2025-12-17. Review status: criteria provided, single submitter. Criteria: Invitae Variant Classification Sherloc (09022015). Collection method: clinical testing. Allele origin: germline.
Comment: This sequence change creates a premature translational stop signal (p.Arg446*) in the ABCG5 gene. It is expected to result in an absent or disrupted protein product. Loss-of-function variants in ABCG5 are known to be pathogenic (PMID: 11138003, 25665839). This variant is present in population databases (rs199689137, gnomAD 0.08%). This premature translational stop signal has been observed in individual(s) with sitosterolemia (PMID: 34304999, 34887220, 34969652). ClinVar contains an entry for this variant (Variation ID: 30485). For these reasons, this variant has been classified as Pathogenic.

Blueprint Genetics
Classification: Pathogenic for ABCG5-related disorders. Last evaluated: 2024-11-13. Review status: criteria provided, single submitter. Criteria: ACMG Guidelines, 2015. Collection method: clinical testing. Allele origin: germline. Affected: yes. Observed: 5 variant alleles.

Revvity Omics, Revvity
Classification: Pathogenic for Sitosterolemia 2. Last evaluated: 2024-08-21. Review status: criteria provided, single submitter. Criteria: ACMG Guidelines, 2015. Collection method: clinical testing. Allele origin: germline.

Genomic Medicine Center of Excellence, King Faisal Specialist Hospital and Research Centre
Classification: Likely pathogenic for Short-rib thoracic dysplasia 15 with polydactyly. Last evaluated: 2024-03-26. Review status: criteria provided, single submitter. Criteria: ACMG Guidelines, 2015. Collection method: clinical testing. Allele origin: germline.

Genomic Medicine Center of Excellence, King Faisal Specialist Hospital and Research Centre
Classification: Likely pathogenic for Sitosterolemia 2. Last evaluated: 2024-03-26. Review status: criteria provided, single submitter. Criteria: ACMG Guidelines, 2015. Collection method: clinical testing. Allele origin: germline.

Mayo Clinic Laboratories, Mayo Clinic
Classification: Pathogenic. Last evaluated: 2024-02-21. Review status: criteria provided, single submitter. Criteria: ACMG Guidelines, 2015. Collection method: clinical testing. Allele origin: germline.
Comment: PP1_strong, PM3_very_strong, PVS1

Daryl Scott Lab, Baylor College of Medicine
Classification: Pathogenic for Sitosterolemia 2. Last evaluated: 2024-01-01. Review status: criteria provided, single submitter. Criteria: ACMG Guidelines, 2015. Collection method: clinical testing. Allele origin: unknown. Affected: yes. Observed: 1 heterozygote.
Comment: PVS1, PS4, PM3, PP1

Ambry Genetics
Classification: Pathogenic for Cardiovascular phenotype. Last evaluated: 2023-08-01. Review status: criteria provided, single submitter. Criteria: Ambry Variant Classification Scheme 2023. Collection method: clinical testing. Allele origin: germline.
Comment: The c.1336C>T (p.R446*) alteration, located in exon 10 (coding exon 10) of the ABCG5 gene, consists of a C to T substitution at nucleotide position 1336. This changes the amino acid from an arginine (R) to a stop codon at amino acid position 446. This alteration is expected to result in loss of function by premature protein truncation or nonsense-mediated mRNA decay. Based on data from gnomAD, the T allele has an overall frequency of 0.017% (48/282080) total alleles studied. The highest observed frequency was 0.085% (17/19940) of East Asian alleles. This variant has been reported in the homozygous and compound heterozygous states in multiple individuals and families affected with sitosterolemia (Mannucci, 2007; Niu, 2010; Wang, 2014; Bazerbachi, 2017; Buonuomo, 2017; Veit, 2019; Wang, 2019; Frederiksen, 2021; Kaya, 2021; Zhang, 2022; Xia, 2022). Based on the available evidence, this alteration is classified as pathogenic.

GeneDx
Classification: Pathogenic. Last evaluated: 2023-03-09. Review status: criteria provided, single submitter. Criteria: GeneDx Variant Classification Process June 2021. Collection method: clinical testing. Allele origin: germline.
Comment: Observed with a variant on the opposite allele (in trans) in patients with sitosterolemia in published literature (PMID: 20719861, 24166850, 28521186, 33217533, 17228349); Nonsense variant predicted to result in protein truncation or nonsense mediated decay in a gene for which loss of function is a known mechanism of disease; This variant is associated with the following publications: (PMID: 35705271, 36648309, 36991406, 36229885, 34887220, 32759540, 34880906, 34969652, 21729603, 27884173, 26813946, 34426522, 25525159, 31589614, 32041611, 32862661, 34268478, 33994402, 34304999, 20521169, 19111681, 30528907, 29055934, 28521186, 25665839, 33217533, 29353225, 33269076, 17976197, 24166850, 20719861, 31060161, 17228349)

New York Genome Center
Classification: Pathogenic for Sitosterolemia 2. Last evaluated: 2022-05-25. Review status: criteria provided, single submitter. Criteria: NYGC Assertion Criteria 2020. Collection method: clinical testing. Allele origin: germline. Observed: 1 heterozygote.

Molecular Genetics, Royal Melbourne Hospital
Classification: Pathogenic for Sitosterolemia 1. Last evaluated: 2022-04-22. Review status: criteria provided, single submitter. Criteria: ACMG Guidelines, 2015. Collection method: clinical testing. Allele origin: germline. Affected: yes.
Comment: This sequence change creates a premature termination codon at position 446 in exon 10 (of 13) of ABCG5 (p.Arg446*). It is expected to result in an absent or disrupted protein product. Loss of function is an established mechanism of disease for ABCG5 in autosomal recessive sitosterolaemia (PVS1). It is present in a large population cohort at a frequency of 0.02% (rs199689137, 48/282,080 alleles in gnomAD v2.1.1), and is most prevalent in the East Asian population with a frequency of 0.09% (17/19,940 alleles). The variant has been reported in multiple individuals diagnosed with sitosterolaemia, all of whom were homozygous or compound heterozygous with a second pathogenic variant in ABCG5 (PMID: 19111681, 20719861, 24166850, 26813946, 28521186 - PM3_VeryStrong), and segregated in affected family members in multiple families (PMID: 17976197, 24166850 - PP1_Strong). Based on the classification scheme RMH ACMG Guidelines v1.1.1, this variant is classified as PATHOGENIC. Following criteria are met: PVS1, PM3_VeryStrong, PP1_Strong.

Genetics and Genomic Medicine Centre, NeuroGen Healthcare, NeuroGen Healthcare
Classification: Likely pathogenic for Sitosterolemia 2. Last evaluated: 2022-01-16. Review status: criteria provided, single submitter. Criteria: Submitter's publication. Collection method: clinical testing. Allele origin: unknown. Affected: no.

AiLife Diagnostics
Classification: Pathogenic. Last evaluated: 2021-10-20. Review status: criteria provided, single submitter. Criteria: ACMG Guidelines, 2015. Collection method: clinical testing. Allele origin: germline. Affected: yes. Observed: 1 variant allele.

NM_022436.3(ABCG5):c.1336C>T (p.Arg446Ter)

Genes: ABCG5 (ATP binding cassette subfamily G member 5; minus strand), DYNC2LI1 (dynein cytoplasmic 2 light intermediate chain 1; plus strand). Cytogenetic location: 2p21.
Variant type: single nucleotide variant.
Coding change: c.1336C>T on transcript NM_022436.3 (MANE Select); coding-DNA position 1336, C replaced by T.
Protein change: p.Arg446Ter; replaces arginine 446 with a stop codon.
Molecular consequence: nonsense. On other transcripts: intron variant (2).
Genome position (GRCh38, 1-based): chr2:43,822,924, G>A on the plus strand (C>T on the coding strand, the complement: ABCG5 is on the minus strand). VCF-style: chr2-43822924-G-A. GRCh37 (hg19) VCF-style: chr2-44050063-G-A.
Other names: c.*16-4462G>A (NM_001348913.1, NM_001348913.2, NM_001348912.2); short protein forms R446*.
Identifiers: ClinVar variation 30485 (VCV000030485.77), dbSNP rs199689137, ClinGen allele CA259825.